The following is an entry in ClinVar:

NM_000186.4(CFH):c.3653G>A (p.Cys1218Tyr)

Gene: CFH (complement factor H; plus strand). Cytogenetic location: 1q31.3.
Variant type: single nucleotide variant.
Coding change: c.3653G>A on transcript NM_000186.4 (MANE Select); coding-DNA position 3653, G replaced by A.
Protein change: p.Cys1218Tyr; replaces cysteine 1218 with tyrosine.
Molecular consequence: missense variant.
Genome position (GRCh38, 1-based): chr1:196,747,270, G>A. VCF-style: chr1-196747270-G-A. GRCh37 (hg19) VCF-style: chr1-196716400-G-A.
Other names: short protein forms C1218Y.
Identifiers: ClinVar variation 4291641 (VCV004291641.1).

ClinVar aggregate classification (germline): Uncertain significance (1 of 4 stars; one submission).

Conditions:
Atypical hemolytic-uremic syndrome. Identifiers: Orphanet 2134, MedGen C2931788, MONDO:0016244.

Submission:

Genomenon, Inc
Classification: Uncertain significance for Atypical hemolytic-uremic syndrome. Last evaluated: 2025-10-02. Review status: criteria provided, single submitter. Criteria: Genomenon Sequence Variant Interpretation Standards - Updated. Collection method: curation. Allele origin: germline. Affected: yes.
Comment: CFH p.Cys1218Tyr (c.3653G>A) is a missense variant that changes the amino acid at residue 1218 from Cysteine to Tyrosine. This variant has been observed in at least one proband affected with atypical hemolytic-uremic syndrome (PMID:26880823). It is absent or not present at a significant frequency in gnomAD. In silico models agree that this variant is possibly or probably damaging. In conclusion, we classify CFH p.Cys1218Tyr (c.3653G>A) as a variant of uncertain significance.

Literature cited by the submitters: PubMed 26880823.